The following is an entry in ClinVar:

NM_001363711.2(DUOX2):c.4433G>A (p.Arg1478Gln)

Gene: DUOX2 (dual oxidase 2; minus strand). Cytogenetic location: 15q21.1.
Variant type: single nucleotide variant.
Coding change: c.4433G>A on transcript NM_001363711.2 (MANE Select); coding-DNA position 4433, G replaced by A.
Protein change: p.Arg1478Gln; replaces arginine 1478 with glutamine.
Molecular consequence: missense variant.
Genome position (GRCh38, 1-based): chr15:45,094,654, C>T on the plus strand (G>A on the coding strand, the complement: DUOX2 is on the minus strand). VCF-style: chr15-45094654-C-T. GRCh37 (hg19) VCF-style: chr15-45386852-C-T.
Other names: c.4433G>A, p.Arg1478Gln (NM_014080.5); short protein forms R1478Q.
Identifiers: ClinVar variation 884962 (VCV000884962.8), dbSNP rs759342749, ClinGen allele CA7537511.

ClinVar aggregate classification (germline): Uncertain significance. Review status: criteria provided, multiple submitters, no conflicts (2 of 4 stars). 3 submissions from 3 submitters: Uncertain significance (3). Last evaluated 2024-12-07.

Conditions:
Inborn genetic diseases. Identifiers: MedGen C0950123, MeSH D030342.
Thyroid dyshormonogenesis 6 (TDH6). Also called: Genetic transient congenital hypothyroidism; HYPOTHYROIDISM, CONGENITAL, DUE TO DYSHORMONOGENESIS, 6; THYROID HORMONOGENESIS, GENETIC DEFECT IN, 6. Identifiers: Orphanet 226316, Orphanet 95716, MedGen C1846632, MONDO:0011792, OMIM 607200.

Allele frequency attached by ClinVar (database versions not stated): gnomAD exomes below 0.00001 and 0.00001; TOPMed below 0.00001; ExAC 0.00001.
gnomAD v4.1: 19 of 1,614,072 alleles (0.0012%); highest among the groups gnomAD compares: Non-Finnish European, 0.0015%; no homozygotes.

Submissions (3):

Labcorp Genetics (formerly Invitae), Labcorp
Classification: Uncertain significance. Last evaluated: 2024-12-07. Review status: criteria provided, single submitter. Criteria: Invitae Variant Classification Sherloc (09022015). Collection method: clinical testing. Allele origin: germline.
Comment: This sequence change replaces arginine, which is basic and polar, with glutamine, which is neutral and polar, at codon 1478 of the DUOX2 protein (p.Arg1478Gln). The frequency data for this variant in the population databases is considered unreliable, as metrics indicate poor data quality at this position in the gnomAD database. This variant has not been reported in the literature in individuals affected with DUOX2-related conditions. ClinVar contains an entry for this variant (Variation ID: 884962). Invitae Evidence Modeling of protein sequence and biophysical properties (such as structural, functional, and spatial information, amino acid conservation, physicochemical variation, residue mobility, and thermodynamic stability) indicates that this missense variant is not expected to disrupt DUOX2 protein function with a negative predictive value of 95%. In summary, the available evidence is currently insufficient to determine the role of this variant in disease. Therefore, it has been classified as a Variant of Uncertain Significance.

Ambry Genetics
Classification: Uncertain significance for Inborn genetic diseases. Last evaluated: 2021-01-15. Review status: criteria provided, single submitter. Criteria: Ambry Variant Classification Scheme 2023. Collection method: clinical testing. Allele origin: germline.

Illumina Laboratory Services, Illumina
Classification: Uncertain significance for Thyroid dyshormonogenesis 6. Last evaluated: 2018-01-12. Review status: criteria provided, single submitter. Criteria: ICSL Variant Classification Criteria 13 December 2019. Collection method: clinical testing. Allele origin: germline.